The following is an entry in ClinVar:

ClinVar aggregate classification (germline): Likely benign (1 of 4 stars; one submission).

Conditions:
Primary dilated cardiomyopathy (DCM). Also called: Dilated Cardiomyopathy. Identifiers: Orphanet 217604, MedGen C0007193, MeSH D002311, MONDO:0005021, HP:0001644. Inheritance: Various modes of inheritance.

Submission:

All of Us Research Program, National Institutes of Health
Classification: Likely benign for Primary dilated cardiomyopathy. Last evaluated: 2024-04-16. Review status: criteria provided, single submitter. Criteria: ACMG Guidelines, 2015. Collection method: clinical testing. Allele origin: germline. Inheritance: Autosomal dominant inheritance. Observed: 1 variant allele, 1 heterozygote.
Comment: This study involves interpretation of variants in research participants for the purpose of population health screening. Participant phenotype was not available at the time of variant classification. Additional details can be found in publication PMID: 35346344, PMCID: PMC8962531

NM_170707.4(LMNA):c.514-5C>T

Gene: LMNA (lamin A/C; plus strand). Cytogenetic location: 1q22.
Variant type: single nucleotide variant.
Coding change: c.514-5C>T on transcript NM_170707.4 (MANE Select); 5 bases into the intron before coding-DNA position 514, C replaced by T.
Molecular consequence: intron variant.
Genome position (GRCh38, 1-based): chr1:156,134,398, C>T. VCF-style: chr1-156134398-C-T. GRCh37 (hg19) VCF-style: chr1-156104189-C-T.
Other names: c.514-5C>T (NM_001406983.1, NM_001282625.2, NM_001406984.1 and 6 more transcripts); c.-45-5C>T (NM_001407002.1, NM_001406993.1, NM_001407003.1 and 4 more transcripts); c.-151-5C>T (NM_001406999.1, NM_001407000.1, NM_001406994.1 and 1 more transcripts); c.271-5C>T (NM_001406986.1, NM_001406987.1, NM_001282624.2); c.178-5C>T (NM_001406989.1, NM_001257374.3, NM_001406998.1); c.217-5C>T (NM_001406988.1).
Identifiers: ClinVar variation 3387003 (VCV003387003.1).